The following is an entry in ClinVar:

NM_001164508.2(NEB):c.9465_9466insT (p.Ile3156fs)

Gene: NEB (nebulin; minus strand). Cytogenetic location: 2q23.3.
Variant type: Insertion.
Coding change: c.9465_9466insT on transcript NM_001164508.2 (MANE Select); coding-DNA positions 9465 to 9466, T inserted.
Protein change: p.Ile3156fs; shifts the reading frame from isoleucine 3156.
Molecular consequence: frameshift variant. On other transcripts: intron variant (1).
Genome position: GRCh38 VCF-style: chr2-151631295-T-TA. GRCh37 (hg19) VCF-style: chr2-152487809-T-TA.
Other names: c.9465_9466insT, p.Ile3156fs (NM_001164507.2, NM_001271208.2); c.8854-118_8854-117insT (NM_004543.5); short protein forms I3156fs.
Identifiers: ClinVar variation 5003871 (VCV005003871.1).
Genomic context (GRCh38, chr2:151,631,295, plus strand): 5'-AGATGTTATCACTCAGTATTTCGGTAGCTCTCTTGCACTTGACCACATCCATAGACCCAA[T>TA]GGGGACCCAGCCAATGCCTCTCAGCCACTGGAGATCTGACTTGTAAATATTCTGAGCAGA-3'

ClinVar aggregate classification (germline): Pathogenic (1 of 4 stars; one submission).

Conditions:
Nemaline myopathy 2 (NEM2). Also called: Nemaline myopathy 2, autosomal recessive. Identifiers: MedGen C1850569, MONDO:0009725, OMIM 256030.

Submission:

Myriad Genetics, Inc.
Classification: Pathogenic for Nemaline myopathy 2. Last evaluated: 2025-12-12. Review status: criteria provided, single submitter. Criteria: Myriad Autosomal Dominant, Autosomal Recessive and X-Linked Classification Criteria (2023). Collection method: clinical testing. Allele origin: unknown.
Comment: NM_001271208.1(NEB):c.9465_9466insT(I3156Yfs*18) is a frameshift variant classified as pathogenic in the context of NEB-related nemaline myopathy. I3156Yfs*18 has not been observed in cases with relevant disease. Relevant functional assessments of this variant are not available in the literature. I3156Yfs*18 has not been observed in referenced population frequency databases. In summary, NM_001271208.1(NEB):c.9465_9466insT(I3156Yfs*18) is a frameshift variant in a gene where loss of function is a known mechanism of disease and is predicted to disrupt protein function. Please note: this variant was assessed in the context of healthy population screening.